The following is an entry in ClinVar:

NM_201384.3(PLEC):c.11743C>G (p.Leu3915Val)

Gene: PLEC (plectin; minus strand). Cytogenetic location: 8q24.3.
Variant type: single nucleotide variant.
Coding change: c.11743C>G on transcript NM_201384.3 (MANE Select); coding-DNA position 11743, C replaced by G.
Protein change: p.Leu3915Val; replaces leucine 3915 with valine.
Molecular consequence: missense variant.
Genome position (GRCh38, 1-based): chr8:143,918,078, G>C on the plus strand (C>G on the coding strand, the complement: PLEC is on the minus strand). VCF-style: chr8-143918078-G-C. GRCh37 (hg19) VCF-style: chr8-144992246-G-C.
Other names: c.11743C>G, p.Leu3915Val (NM_201382.4); c.11755C>G, p.Leu3919Val (NM_201383.3); c.11824C>G, p.Leu3942Val (NM_000445.5); c.8443C>G, p.Leu2815Val (NM_001410941.1); c.11701C>G, p.Leu3901Val (NM_201378.4); c.11677C>G, p.Leu3893Val (NM_201379.3); c.12154C>G, p.Leu4052Val (NM_201380.4); c.11647C>G, p.Leu3883Val (NM_201381.3); and 1 more; short protein forms L2815V, L3883V, L3893V, L3901V, L3915V, L3919V, L3942V, L4052V.
Identifiers: ClinVar variation 3758136 (VCV003758136.3).

ClinVar aggregate classification (germline): Uncertain significance. Review status: criteria provided, multiple submitters, no conflicts (2 of 4 stars). 2 submissions from 2 submitters: Uncertain significance (2). Last evaluated 2025-08-30.

Conditions:
Inborn genetic diseases. Identifiers: MedGen C0950123, MeSH D030342.
Epidermolysis bullosa simplex with nail dystrophy (EBS5D). Identifiers: MedGen C4225309, MONDO:0014661, OMIM 616487.
Epidermolysis bullosa simplex, Ogna type (EBS5A). Also called: Pidermolysis bullosa simplex 5A, Ogna type; EPIDERMOLYSIS BULLOSA SIMPLEX 5A, OGNA TYPE. Identifiers: Orphanet 79401, MedGen C0432317, MONDO:0007555, OMIM 131950.
Autosomal recessive limb-girdle muscular dystrophy type 2Q (LGMDR17). Also called: MUSCULAR DYSTROPHY, LIMB-GIRDLE, AUTOSOMAL RECESSIVE 17. Identifiers: Orphanet 254361, MedGen C3150989, MONDO:0013390, OMIM 613723.
Epidermolysis bullosa simplex 5B, with muscular dystrophy (EBS5B). Also called: EPIDERMOLYSIS BULLOSA SIMPLEX AND LIMB-GIRDLE MUSCULAR DYSTROPHY; Epidermolysis bullosa simplex with muscular dystrophy. Identifiers: Orphanet 257, MedGen C2931072, MONDO:0009181, OMIM 226670.
Epidermolysis bullosa simplex 5C, with pyloric atresia (EBS5C). Also called: PLEC-Related Epidermolysis Bullosa with Pyloric Atresia; Epidermolysis bullosa simplex with pyloric atresia; PLEC1-Related Epidermolysis Bullosa with Pyloric Atresia. Identifiers: Orphanet 158684, MedGen C2677349, MONDO:0012807, OMIM 612138.

gnomAD v4.1: 2 of 1,597,996 alleles (0.00013%); highest among the groups gnomAD compares: Admixed American, 0.0017%; no homozygotes.

Submissions (2):

Ambry Genetics
Classification: Uncertain significance for Inborn genetic diseases. Last evaluated: 2025-08-30. Review status: criteria provided, single submitter. Criteria: Ambry Variant Classification Scheme 2023. Collection method: clinical testing. Allele origin: germline.

Labcorp Genetics (formerly Invitae), Labcorp
Classification: Uncertain significance for Autosomal recessive limb-girdle muscular dystrophy type 2Q; Epidermolysis bullosa simplex, Ogna type; Epidermolysis bullosa simplex with nail dystrophy; Epidermolysis bullosa simplex 5C, with pyloric atresia; Epidermolysis bullosa simplex 5B, with muscular dystrophy. Last evaluated: 2024-06-23. Review status: criteria provided, single submitter. Criteria: Invitae Variant Classification Sherloc (09022015). Collection method: clinical testing. Allele origin: germline.
Comment: This sequence change replaces leucine, which is neutral and non-polar, with valine, which is neutral and non-polar, at codon 3942 of the PLEC protein (p.Leu3942Val). This variant is not present in population databases (gnomAD no frequency). This variant has not been reported in the literature in individuals affected with PLEC-related conditions. Advanced modeling of protein sequence and biophysical properties (such as structural, functional, and spatial information, amino acid conservation, physicochemical variation, residue mobility, and thermodynamic stability) performed at Invitae indicates that this missense variant is not expected to disrupt PLEC protein function with a negative predictive value of 80%. In summary, the available evidence is currently insufficient to determine the role of this variant in disease. Therefore, it has been classified as a Variant of Uncertain Significance.